The following is an entry in ClinVar:

NM_001009944.3(PKD1):c.6018G>A (p.Trp2006Ter)

Gene: PKD1 (polycystin 1, transient receptor potential channel interacting; minus strand). Cytogenetic location: 16p13.3.
Variant type: single nucleotide variant.
Coding change: c.6018G>A on transcript NM_001009944.3 (MANE Select); coding-DNA position 6018, G replaced by A.
Protein change: p.Trp2006Ter; replaces tryptophan 2006 with a stop codon.
Molecular consequence: nonsense.
Genome position (GRCh38, 1-based): chr16:2,109,149, C>T on the plus strand (G>A on the coding strand, the complement: PKD1 is on the minus strand). VCF-style: chr16-2109149-C-T. GRCh37 (hg19) VCF-style: chr16-2159150-C-T.
Other names: c.6018G>A, p.Trp2006Ter (NM_000296.4); short protein forms W2006*.
Identifiers: ClinVar variation 4848453 (VCV004848453.1).

ClinVar aggregate classification (germline): Pathogenic (1 of 4 stars; one submission).

Conditions:
Polycystic kidney disease, adult type (PKD1). Also called: Polycystic Kidney Disease 1, Autosomal Dominant; Polycystic kidney disease 1; Polycystic kidney disease 1, severe; POLYCYSTIC KIDNEY DISEASE 1 WITH OR WITHOUT POLYCYSTIC LIVER DISEASE; POLYCYSTIC KIDNEY DISEASE, ADULT, TYPE I; Polycystic Kidney, Autosomal Dominant. Identifiers: MedGen C3149841, MONDO:0008263, OMIM 173900.

Submission:

Women's Health and Genetics/Laboratory Corporation of America, LabCorp
Classification: Pathogenic for Polycystic kidney disease, adult type. Last evaluated: 2026-04-17. Review status: criteria provided, single submitter. Criteria: LabCorp Variant Classification Summary - May 2015. Collection method: clinical testing. Allele origin: germline.
Comment: Variant summary: PKD1 c.6018G>A (p.Trp2006X) results in a premature termination codon, predicted to cause a truncation of the encoded protein or absence of the protein due to nonsense mediated decay, which are commonly known mechanisms for disease. The variant was absent in 241432 control chromosomes (gnomAD). To our knowledge, no occurrence of c.6018G>A in individuals affected with PKD1-related conditions and no experimental evidence demonstrating its impact on protein function have been reported. No submitters have cited clinical-significance assessments for this variant to ClinVar. Based on the evidence outlined above, the variant was classified as pathogenic.